The following is an entry in ClinVar:

NM_022836.4(DCLRE1B):c.1183C>T (p.Arg395Trp)

Gene: DCLRE1B (DNA cross-link repair 1B; plus strand). Cytogenetic location: 1p13.2.
Variant type: single nucleotide variant.
Coding change: c.1183C>T on transcript NM_022836.4 (MANE Select); coding-DNA position 1183, C replaced by T.
Protein change: p.Arg395Trp; replaces arginine 395 with tryptophan.
Molecular consequence: missense variant.
Genome position (GRCh38, 1-based): chr1:113,911,775, C>T. VCF-style: chr1-113911775-C-T. GRCh37 (hg19) VCF-style: chr1-114454397-C-T.
Other names: c.1183C>T, p.Arg395Trp (LRG_1219t1, NM_001363690.2); c.805C>T, p.Arg269Trp (NM_001319946.2, NM_001319947.2, NM_001363691.2); short protein forms R395W, R269W.
Identifiers: ClinVar variation 648890 (VCV000648890.8), dbSNP rs141081316, ClinGen allele CA1016541.
Genomic context (GRCh38, chr1:113,911,775, plus strand): 5'-AAAGAGAAACTTTCTCCCTGGCCTGCGGACCTTGAAAAGCAGCCTTCCCACCATCCTTTG[C>T]GGATCAAGAAGCAGTTGTTCCCAGATCTCTATAGCAAAGAATGGAACAAGGCAGTGCCTT-3'
Protein context (NP_073747.1, residues 385-405): LEKQPSHHPL[Arg395Trp]IKKQLFPDLY

ClinVar aggregate classification (germline): Uncertain significance (1 of 4 stars; one submission).

Conditions:
Hoyeraal-Hreidarsson syndrome (HHS). Also called: CEREBELLAR HYPOPLASIA WITH PANCYTOPENIA. Identifiers: Orphanet 3322, MedGen C1846142, MONDO:0018045.
Autosomal recessive dyskeratosis congenita. Identifiers: MedGen C3502105.

Allele frequency attached by ClinVar (database versions not stated): ExAC 0.00001; gnomAD exomes 0.00002; ESP Exome Variant Server 0.00015; gnomAD 0.00015 and 0.00018; TOPMed 0.00015.

Submission:

Labcorp Genetics (formerly Invitae), Labcorp
Classification: Uncertain significance for Hoyeraal-Hreidarsson syndrome; Autosomal recessive dyskeratosis congenita. Last evaluated: 2022-09-01. Review status: criteria provided, single submitter. Criteria: Invitae Variant Classification Sherloc (09022015). Collection method: clinical testing. Allele origin: germline.
Comment: In summary, the available evidence is currently insufficient to determine the role of this variant in disease. Therefore, it has been classified as a Variant of Uncertain Significance. Algorithms developed to predict the effect of missense changes on protein structure and function are either unavailable or do not agree on the potential impact of this missense change (SIFT: "Deleterious"; PolyPhen-2: "Benign"; Align-GVGD: "Class C0"). ClinVar contains an entry for this variant (Variation ID: 648890). This variant has not been reported in the literature in individuals affected with DCLRE1B-related conditions. This variant is present in population databases (rs141081316, gnomAD 0.03%). This sequence change replaces arginine, which is basic and polar, with tryptophan, which is neutral and slightly polar, at codon 395 of the DCLRE1B protein (p.Arg395Trp).